The following is an entry in ClinVar:

ClinVar aggregate classification (germline): Conflicting classifications of pathogenicity. Review status: criteria provided, conflicting classifications (1 of 4 stars). 2 submissions from 2 submitters: Likely pathogenic (1); Uncertain significance (1). Last evaluated 2023-07-30.

Conditions:
Ovarian cancer. Also called: OVARIAN CANCER, SOMATIC. Identifiers: Orphanet 213500, MedGen C1140680, MONDO:0008170, OMIM 167000.

Allele frequency attached by ClinVar (database versions not stated): gnomAD 0.00001; TOPMed 0.00001.
gnomAD v4.1: 1 of 1,613,700 alleles (0.000062%); highest among the groups gnomAD compares: Non-Finnish European, 0.000085%; no homozygotes.

Submissions (2):

Ambry Genetics
Classification: Uncertain significance. Last evaluated: 2023-07-30. Review status: criteria provided, single submitter. Criteria: Ambry Variant Classification Scheme 2023. Collection method: clinical testing. Allele origin: germline.
Comment: The p.R257K variant (also known as c.770G>A), located in coding exon 1 of the MLH3 gene, results from a G to A substitution at nucleotide position 770. The arginine at codon 257 is replaced by lysine, an amino acid with highly similar properties. This amino acid position is conserved. In addition, this alteration is predicted to be deleterious by in silico analysis. Since supporting evidence is limited at this time, the clinical significance of this alteration remains unclear.

Laboratory of Molecular Epidemiology of Birth Defects, West China Second University Hospital, Sichuan University
Classification: Likely pathogenic for Ovarian cancer. Last evaluated: 2022-01-01. Review status: criteria provided, single submitter. Criteria: ACMG Guidelines, 2015. Collection method: clinical testing. Allele origin: germline. Affected: yes.

NM_001040108.2(MLH3):c.770G>A (p.Arg257Lys)

Gene: MLH3 (mutL homolog 3; minus strand). Cytogenetic location: 14q24.3.
Variant type: single nucleotide variant.
Coding change: c.770G>A on transcript NM_001040108.2 (MANE Select); coding-DNA position 770, G replaced by A.
Protein change: p.Arg257Lys; replaces arginine 257 with lysine.
Molecular consequence: missense variant.
Genome position (GRCh38, 1-based): chr14:75,048,886, C>T on the plus strand (G>A on the coding strand, the complement: MLH3 is on the minus strand). VCF-style: chr14-75048886-C-T. GRCh37 (hg19) VCF-style: chr14-75515589-C-T.
Other names: c.770G>A, p.Arg257Lys (NM_014381.3); short protein forms R257K.
Identifiers: ClinVar variation 2445385 (VCV002445385.4), dbSNP rs1458734302, ClinGen allele CA390449151.